The following is an entry in ClinVar:

ClinVar aggregate classification (germline): Uncertain significance. Review status: criteria provided, multiple submitters, no conflicts (2 of 4 stars). 2 submissions from 2 submitters: Uncertain significance (2). Last evaluated 2025-08-26.

Conditions:
Inborn genetic diseases. Identifiers: MedGen C0950123, MeSH D030342.
3-methylglutaconic aciduria type 1 (MGCA1). Identifiers: Orphanet 67046, MedGen C0342727, MONDO:0009610, OMIM 250950.

Allele frequency attached by ClinVar (database versions not stated): gnomAD exomes 0.00001.
gnomAD v4.1: 18 of 1,495,672 alleles (0.0012%); highest among the groups gnomAD compares: East Asian, 0.0056%; no homozygotes.

Submissions (2):

Ambry Genetics
Classification: Uncertain significance for Inborn genetic diseases. Last evaluated: 2025-08-26. Review status: criteria provided, single submitter. Criteria: Ambry Variant Classification Scheme 2023. Collection method: clinical testing. Allele origin: germline.

Labcorp Genetics (formerly Invitae), Labcorp
Classification: Uncertain significance for 3-methylglutaconic aciduria type 1. Last evaluated: 2022-08-09. Review status: criteria provided, single submitter. Criteria: Invitae Variant Classification Sherloc (09022015). Collection method: clinical testing. Allele origin: germline.
Comment: In summary, the available evidence is currently insufficient to determine the role of this variant in disease. Therefore, it has been classified as a Variant of Uncertain Significance. Algorithms developed to predict the effect of missense changes on protein structure and function output the following: SIFT: "Tolerated"; PolyPhen-2: "Benign"; Align-GVGD: "Class C0". The arginine amino acid residue is found in multiple mammalian species, which suggests that this missense change does not adversely affect protein function. This variant has not been reported in the literature in individuals affected with AUH-related conditions. This variant is not present in population databases (gnomAD no frequency). This sequence change replaces histidine, which is basic and polar, with arginine, which is basic and polar, at codon 16 of the AUH protein (p.His16Arg).

NM_001698.3(AUH):c.47A>G (p.His16Arg)

Genes: AUH (AU RNA binding methylglutaconyl-CoA hydratase; minus strand), LOC130002059 (ATAC-STARR-seq lymphoblastoid silent region 20025; plus strand). Cytogenetic location: 9q22.31.
Variant type: single nucleotide variant.
Coding change: c.47A>G on transcript NM_001698.3 (MANE Select); coding-DNA position 47, A replaced by G.
Protein change: p.His16Arg; replaces histidine 16 with arginine.
Molecular consequence: missense variant. On other transcripts: 5 prime UTR variant (3).
Genome position (GRCh38, 1-based): chr9:91,361,843, T>C on the plus strand (A>G on the coding strand, the complement: AUH is on the minus strand). VCF-style: chr9-91361843-T-C. GRCh37 (hg19) VCF-style: chr9-94124125-T-C.
Other names: c.47A>G, p.His16Arg (NM_001306190.2); c.-351A>G (NM_001351431.2, NM_001351433.2); c.-443A>G (NM_001351432.2); short protein forms H16R.
Identifiers: ClinVar variation 1905352 (VCV001905352.4), dbSNP rs1307600670, ClinGen allele CA373836740.